The following is an entry in ClinVar:

NM_024334.3(TMEM43):c.13-519G>A

Gene: TMEM43 (transmembrane protein 43; plus strand). Cytogenetic location: 3p25.1.
Variant type: single nucleotide variant.
Coding change: c.13-519G>A on transcript NM_024334.3 (MANE Select); 519 bases into the intron before coding-DNA position 13, G replaced by A.
Molecular consequence: intron variant.
Genome position (GRCh38, 1-based): chr3:14,128,893, G>A. VCF-style: chr3-14128893-G-A. GRCh37 (hg19) VCF-style: chr3-14170393-G-A.
Other names: c.13-519G>A (NM_024334.2).
Identifiers: ClinVar variation 1695064 (VCV001695064.32), dbSNP rs73022888, ClinGen allele CA051779.

ClinVar aggregate classification (germline): Benign. Review status: criteria provided, multiple submitters, no conflicts (2 of 4 stars). 2 submissions from 2 submitters: Benign (2). Last evaluated 2025-04-09.

Allele frequency attached by ClinVar (database versions not stated): 1000 Genomes Project 0.00240; 1000 Genomes Project 30x 0.00281; TOPMed 0.00550; ExAC 0.00602; gnomAD exomes 0.00618; gnomAD 0.00740 and 0.00752.

Submissions (2):

Molecular Diagnostic Laboratory for Inherited Cardiovascular Disease, Montreal Heart Institute
Classification: Benign. Last evaluated: 2025-04-09. Review status: criteria provided, single submitter. Criteria: ACMG Guidelines, 2015. Collection method: clinical testing. Allele origin: germline. Affected: no.

CeGaT Center for Human Genetics Tuebingen
Classification: Benign. Last evaluated: 2023-05-01. Review status: criteria provided, single submitter. Criteria: CeGaT Center For Human Genetics Tuebingen Variant Classification Criteria Version 2. Collection method: clinical testing. Allele origin: germline. Affected: yes. Observed: 13 variant alleles.
Comment: TMEM43: BS1, BS2